The following is an entry in ClinVar:

ClinVar aggregate classification (germline): Benign. Review status: criteria provided, single submitter (1 of 4 stars). 2 submissions from 2 submitters: Benign (1). 1 of the submissions does not count toward it. Last evaluated 2023-11-20.

Conditions:
STAG2-related disorder. Also called: STAG2-Related Disorders.

Submissions (2):

Labcorp Genetics (formerly Invitae), Labcorp
Classification: Benign. Last evaluated: 2023-11-20. Review status: criteria provided, single submitter. Criteria: Invitae Variant Classification Sherloc (09022015). Collection method: clinical testing. Allele origin: germline.

PreventionGenetics, part of Exact Sciences
Classification: Benign for STAG2-related condition. Last evaluated: 2019-10-23. Review status: no assertion criteria provided. Collection method: clinical testing. Allele origin: germline. Not counted in ClinVar's aggregate classification.
Comment: This variant is classified as benign based on ACMG/AMP sequence variant interpretation guidelines (Richards et al. 2015 PMID: 25741868, with internal and published modifications).

NM_001042750.2(STAG2):c.1535-4_1535-3del

Gene: STAG2 (STAG2 cohesin complex component; plus strand). Cytogenetic location: Xq25.
Variant type: Deletion.
Coding change: c.1535-4_1535-3del on transcript NM_001042750.2 (MANE Select); 4 bases into the intron before coding-DNA position 1535 through 3 bases into the intron before coding-DNA position 1535, 2 bases deleted (TT; older notation c.1535-4_1535-3delTT).
Molecular consequence: intron variant.
Genome position (GRCh38, 1-based): chrX:124,061,767-124,061,768, TT deleted; deleting any 2 consecutive bases within chrX:124,061,744-124,061,768 gives the same sequence; the c. name uses the placement nearest the transcript's 3' end. VCF-style (leftmost placement, unchanged base first): chrX-124061743-CTT-C. GRCh37 (hg19) VCF-style: chrX-123195593-CTT-C.
Other names: c.1535-4_1535-3del (NM_001042749.2, NM_001375366.1, NM_001375373.1 and 13 more transcripts); c.1535-4_1535-3delTT (NM_001042749.2).
Identifiers: ClinVar variation 2959741 (VCV002959741.5), dbSNP rs36097834, ClinGen allele CA644267392.